The following is an entry in ClinVar:

NM_000222.3(KIT):c.68-3C>T

Gene: KIT (KIT proto-oncogene, receptor tyrosine kinase; plus strand). Cytogenetic location: 4q12.
Variant type: single nucleotide variant.
Coding change: c.68-3C>T on transcript NM_000222.3 (MANE Select); 3 bases into the intron before coding-DNA position 68, C replaced by T.
Molecular consequence: intron variant.
Genome position (GRCh38, 1-based): chr4:54,695,509, C>T. VCF-style: chr4-54695509-C-T. GRCh37 (hg19) VCF-style: chr4-55561675-C-T.
Other names: c.68-3C>T (NM_001385284.1, NM_001385290.1, NM_001385288.1 and 4 more transcripts).
Identifiers: ClinVar variation 1428953 (VCV001428953.9), dbSNP rs2109660261, ClinGen allele CA2573137913.
Genomic context (GRCh38, chr4:54,695,509, plus strand): 5'-AGAAGTGCTTTATTTCGCCAAGGAAGAAGATCATACTCAACACGATTCTGTTTTTCTTGG[C>T]AGGCTCTTCTCAACCATCTGTGAGTCCAGGGGAACCGTCTCCACCATCCATCCATCCAGG-3'

ClinVar aggregate classification (germline): Uncertain significance. Review status: criteria provided, multiple submitters, no conflicts (2 of 4 stars). 2 submissions from 2 submitters: Uncertain significance (2). Last evaluated 2024-11-05.

Conditions:
Gastrointestinal stromal tumor. Also called: Gastrointestinal stroma tumor; Gastrointestinal stromal tumor, somatic. Identifiers: Orphanet 44890, MedGen C0238198, MeSH D046152, MONDO:0011719, OMIM 606764, HP:0100723.

Allele frequency attached by ClinVar (database versions not stated): gnomAD exomes 0.00001.
gnomAD v4.1: 15 of 1,614,106 alleles (0.00093%); highest among the groups gnomAD compares: Non-Finnish European, 0.0013%; no homozygotes.

Submissions (2):

Labcorp Genetics (formerly Invitae), Labcorp
Classification: Uncertain significance for Gastrointestinal stromal tumor. Last evaluated: 2024-11-05. Review status: criteria provided, single submitter. Criteria: Invitae Variant Classification Sherloc (09022015). Collection method: clinical testing. Allele origin: germline.
Comment: This sequence change falls in intron 1 of the KIT gene. It does not directly change the encoded amino acid sequence of the KIT protein. It affects a nucleotide within the consensus splice site. This variant is not present in population databases (gnomAD no frequency). This variant has not been reported in the literature in individuals affected with KIT-related conditions. ClinVar contains an entry for this variant (Variation ID: 1428953). Variants that disrupt the consensus splice site are a relatively common cause of aberrant splicing (PMID: 17576681, 9536098). Algorithms developed to predict the effect of sequence changes on RNA splicing suggest that this variant is not likely to affect RNA splicing. In summary, the available evidence is currently insufficient to determine the role of this variant in disease. Therefore, it has been classified as a Variant of Uncertain Significance.

GeneDx
Classification: Uncertain significance. Last evaluated: 2024-10-23. Review status: criteria provided, single submitter. Criteria: GeneDx Variant Classification Process June 2021. Collection method: clinical testing. Allele origin: germline. Affected: yes.
Comment: Not observed at significant frequency in large population cohorts (gnomAD); In silico analysis indicates that this variant does not alter splicing; Has not been previously published as pathogenic or benign to our knowledge

Literature cited by the submitters: PubMed 17576681 (cited by Labcorp Genetics (formerly Invitae), Labcorp); PubMed 9536098 (cited by Labcorp Genetics (formerly Invitae), Labcorp).